The following is an entry in ClinVar:

NM_001349338.3(FOXP1):c.1652+515C>T

Gene: FOXP1 (forkhead box P1; minus strand). Cytogenetic location: 3p13.
Variant type: single nucleotide variant.
Coding change: c.1652+515C>T on transcript NM_001349338.3 (MANE Select); 515 bases into the intron after coding-DNA position 1652, C replaced by T.
Molecular consequence: intron variant. On other transcripts: synonymous variant (1).
Genome position (GRCh38, 1-based): chr3:70,972,040, G>A on the plus strand (C>T on the coding strand, the complement: FOXP1 is on the minus strand). VCF-style: chr3-70972040-G-A. GRCh37 (hg19) VCF-style: chr3-71021191-G-A.
Other names: c.1671C>T, p.Pro557= (NM_001244810.2); c.1652+515C>T (NM_032682.6, NM_001349340.3, NM_001244816.2 and 1 more transcripts); c.1649+515C>T (NM_001349341.3, NM_001244808.3); c.1424+515C>T (NM_001244812.3); c.1349+515C>T (NM_001349343.3, NM_001349337.2, NM_001370548.1 and 1 more transcripts); c.1352+515C>T (NM_001349342.3, NM_001244815.2, NM_001244813.3).
Identifiers: ClinVar variation 2653965 (VCV002653965.25), dbSNP rs751401292, ClinGen allele CA2490894.

ClinVar aggregate classification (germline): Likely benign. Review status: criteria provided, multiple submitters, no conflicts (2 of 4 stars). 2 submissions from 2 submitters: Likely benign (2). Last evaluated 2026-09-01.

Allele frequency attached by ClinVar (database versions not stated): gnomAD 0.00001; TOPMed 0.00001; ExAC 0.00025.
gnomAD v4.1: 23 of 1,461,314 alleles (0.0016%); highest among the groups gnomAD compares: East Asian, 0.0026%; no homozygotes.

Submissions (2):

CeGaT Center for Human Genetics Tuebingen
Classification: Likely benign. Last evaluated: 2026-09-01. Review status: criteria provided, single submitter. Criteria: CeGaT Center For Human Genetics Tuebingen Variant Classification Criteria Version 2. Collection method: clinical testing. Allele origin: germline. Affected: yes. Observed: 3 variant alleles.
Comment: FOXP1: BP4, BP7

Blueprint Genetics
Classification: Likely benign. Last evaluated: 2023-08-31. Review status: criteria provided, single submitter. Criteria: ACMG Guidelines, 2015. Collection method: clinical testing. Allele origin: germline.